The following is an entry in ClinVar:

NM_003590.5(CUL3):c.652C>T (p.Gln218Ter)

Gene: CUL3 (cullin 3; minus strand). Cytogenetic location: 2q36.2.
Variant type: single nucleotide variant.
Coding change: c.652C>T on transcript NM_003590.5 (MANE Select); coding-DNA position 652, C replaced by T.
Protein change: p.Gln218Ter; replaces glutamine 218 with a stop codon.
Molecular consequence: nonsense.
Genome position (GRCh38, 1-based): chr2:224,513,526, G>A on the plus strand (C>T on the coding strand, the complement: CUL3 is on the minus strand). VCF-style: chr2-224513526-G-A. GRCh37 (hg19) VCF-style: chr2-225378243-G-A.
Other names: c.454C>T, p.Gln152Ter (NM_001257197.2); c.670C>T, p.Gln224Ter (NM_001257198.2); short protein forms Q152*, Q218*, Q224*.
Identifiers: ClinVar variation 1805942 (VCV001805942.1), dbSNP rs2106220457, ClinGen allele CA350831082.

ClinVar aggregate classification (germline): Pathogenic (1 of 4 stars; one submission).

Conditions:
Neurodevelopmental disorder with or without autism or seizures (NEDAUS). Identifiers: MedGen C5543225, MONDO:0030994, OMIM 619239.

Submission:

Victorian Clinical Genetics Services, Murdoch Childrens Research Institute
Classification: Pathogenic for Neurodevelopmental disorder with or without autism or seizures. Last evaluated: 2022-09-02. Review status: criteria provided, single submitter. Criteria: ACMG Guidelines, 2015. Collection method: clinical testing. Allele origin: germline. Inheritance: Autosomal dominant inheritance. Affected: yes.
Comment: Based on the classification scheme VCGS_Germline_v1.3.4, this variant is classified as Pathogenic. Following criteria are met: 0102 - Loss of function is a known mechanism of disease in this gene and is associated with neurodevelopmental disorder with or without autism or seizures (MIM#619239). Other variants that result in the skipping of exon 9 are associated with pseudohypoaldosteronism (MIM#614496) due to CUL3 dysfunction, however the exact mechanism of disease for this condition is unknown (PMID: 29361671). (I) 0107 - This gene is associated with autosomal dominant disease. (I) 0115 - Variants in this gene are known to have variable expressivity, specifically those associated with neurodevelopmental disorder with or without autism or seizures (OMIM). (I) 0201 - Variant is predicted to cause nonsense-mediated decay (NMD) and loss of protein (premature termination codon is located at least 54 nucleotides upstream of the final exon-exon junction). (SP) 0251 - This variant is heterozygous. (I) 0301 - Variant is absent from gnomAD (both v2 and v3). (SP) 0701 - Other NMD predicted variants comparable to the one identified in this case have very strong previous evidence for pathogenicity (DECIPHER). (SP) 0807 - This variant has no previous evidence of pathogenicity. (I) 0905 - No published segregation evidence has been identified for this variant. (I) 1007 - No published functional evidence has been identified for this variant. This requires orthogonal confirmation. (I) Legend: (SP) - Supporting pathogenic, (I) - Information, (SB) - Supporting benign

Literature cited by the submitters: PubMed 29361671.